The following is an entry in ClinVar:

NM_001756.4(SERPINA6):c.1152del (p.Ile385fs)

Gene: SERPINA6 (serpin family A member 6; minus strand). Cytogenetic location: 14q32.13.
Variant type: Deletion.
Coding change: c.1152del on transcript NM_001756.4 (MANE Select); coding-DNA position 1152, one base deleted (C; older notation c.1152delC).
Protein change: p.Ile385fs; shifts the reading frame from isoleucine 385.
Molecular consequence: frameshift variant.
Genome position (GRCh38, 1-based): chr14:94,304,484, G deleted on the plus strand (C on the coding strand, the reverse complement: SERPINA6 is on the minus strand). VCF-style (leftmost placement, unchanged base first): chr14-94304483-TG-T. GRCh37 (hg19) VCF-style: chr14-94770820-TG-T.
Other names: short protein forms I385fs.
Identifiers: ClinVar variation 4883915 (VCV004883915.2).

ClinVar aggregate classification (germline): Uncertain significance (1 of 4 stars; one submission).

Submission:

Dasa
Classification: Uncertain significance. Last evaluated: 2026-02-19. Review status: criteria provided, single submitter. Criteria: DASA Assertion Criteria. Collection method: clinical testing. Allele origin: germline.
Comment: NM_001756.4(SERPINA6):c.1152del (p.Ile385Serfs*2) is a frameshift variant in SERPINA6 predicted to alter the reading frame and introduce a premature termination codon. This variant is rare in population databases. The currently available literature and clinical evidence are not sufficient to establish a definitive association between this variant and the reported condition. Therefore, this variant is classified as a variant of uncertain significance.